The following is an entry in ClinVar:

ClinVar aggregate classification (germline): Uncertain significance (1 of 4 stars; one submission).

Conditions:
Intellectual developmental disorder, autosomal recessive 71. Also called: MENTAL RETARDATION, AUTOSOMAL RECESSIVE 71. Identifiers: MedGen C5193133, MONDO:0032789, OMIM 618504.

gnomAD v4.1: 5 of 1,613,600 alleles (0.00031%); highest among the groups gnomAD compares: East Asian, 0.0089%; no homozygotes.

Submission:

Juno Genomics, Hangzhou Juno Genomics, Inc
Classification: Uncertain significance for Intellectual developmental disorder, autosomal recessive 71. Review status: criteria provided, single submitter. Criteria: ACMG Guidelines, 2015. Collection method: clinical testing. Allele origin: germline. Affected: yes.
Comment: Absent from controls (or at extremely low frequency if recessive) in Genome Aggregation Database, Exome Sequencing Project, 1000 Genomes Project, or Exome Aggregation Consortium.;Multiple lines of computational evidence suggest no impact on gene or gene product (conservation, evolutionary, splicing impact, etc).

NM_138775.3(ALKBH8):c.817A>G (p.Met273Val)

Gene: ALKBH8 (alkB homolog 8, tRNA methyltransferase; minus strand). Cytogenetic location: 11q22.3.
Variant type: single nucleotide variant.
Coding change: c.817A>G on transcript NM_138775.3 (MANE Select); coding-DNA position 817, A replaced by G.
Protein change: p.Met273Val; replaces methionine 273 with valine.
Molecular consequence: missense variant. On other transcripts: non-coding transcript variant (6).
Genome position (GRCh38, 1-based): chr11:107,532,361, T>C on the plus strand (A>G on the coding strand, the complement: ALKBH8 is on the minus strand). VCF-style: chr11-107532361-T-C. GRCh37 (hg19) VCF-style: chr11-107403087-T-C.
Other names: c.817A>G, p.Met273Val (NM_001301010.3, NM_001378133.1); short protein forms M273V.
Identifiers: ClinVar variation 3381890 (VCV003381890.2).